The following is an entry in ClinVar:

ClinVar aggregate classification (germline): Uncertain significance. Review status: criteria provided, multiple submitters, no conflicts (2 of 4 stars). 2 submissions from 2 submitters: Uncertain significance (2). Last evaluated 2025-05-05.

Conditions:
Inborn genetic diseases. Identifiers: MedGen C0950123, MeSH D030342.

Allele frequency attached by ClinVar (database versions not stated): gnomAD exomes 0.00002.
gnomAD v4.1: 22 of 1,590,412 alleles (0.0014%); highest among the groups gnomAD compares: Non-Finnish European, 0.0018%; no homozygotes.

Submissions (2):

Labcorp Genetics (formerly Invitae), Labcorp
Classification: Uncertain significance. Last evaluated: 2025-05-05. Review status: criteria provided, single submitter. Criteria: Invitae Variant Classification Sherloc (09022015). Collection method: clinical testing. Allele origin: germline.
Comment: This sequence change replaces aspartic acid, which is acidic and polar, with asparagine, which is neutral and polar, at codon 3586 of the ADGRV1 protein (p.Asp3586Asn). This variant is not present in population databases (gnomAD no frequency). This variant has not been reported in the literature in individuals affected with ADGRV1-related conditions. ClinVar contains an entry for this variant (Variation ID: 1369072). Invitae Evidence Modeling of protein sequence and biophysical properties (such as structural, functional, and spatial information, amino acid conservation, physicochemical variation, residue mobility, and thermodynamic stability) indicates that this missense variant is not expected to disrupt ADGRV1 protein function with a negative predictive value of 95%. In summary, the available evidence is currently insufficient to determine the role of this variant in disease. Therefore, it has been classified as a Variant of Uncertain Significance.

Ambry Genetics
Classification: Uncertain significance for Inborn genetic diseases. Last evaluated: 2022-09-29. Review status: criteria provided, single submitter. Criteria: Ambry Variant Classification Scheme 2023. Collection method: clinical testing. Allele origin: germline.

NM_032119.4(ADGRV1):c.10756G>A (p.Asp3586Asn)

Gene: ADGRV1 (adhesion G protein-coupled receptor V1; plus strand). Cytogenetic location: 5q14.3.
Variant type: single nucleotide variant.
Coding change: c.10756G>A on transcript NM_032119.4 (MANE Select); coding-DNA position 10756, G replaced by A.
Protein change: p.Asp3586Asn; replaces aspartic acid 3586 with asparagine.
Molecular consequence: missense variant. On other transcripts: non-coding transcript variant (1).
Genome position (GRCh38, 1-based): chr5:90,745,252, G>A. VCF-style: chr5-90745252-G-A. GRCh37 (hg19) VCF-style: chr5-90041069-G-A.
Other names: c.10756G>A (NM_032119.3); short protein forms D3586N.
Identifiers: ClinVar variation 1369072 (VCV001369072.7), dbSNP rs1754480457, ClinGen allele CA360408660.
Genomic context (GRCh38, chr5:90,745,252, plus strand): 5'-ATAGCTCTAGTGGGAGCTCATTCACATATATATGAGCTAGCCTACATTTCCAGCCATTCT[G>A]ACTTTATTCCTAGGTAGGTTCAACATTTTTTGCTAAGTATCTTTATGTTCACTGTAATTT-3'
Protein context (NP_115495.3, residues 3576-3596): YELAYISSHS[Asp3586Asn]FIPSSGELIF